The following is an entry in ClinVar:

NM_177438.3(DICER1):c.1377-12T>C

Gene: DICER1 (dicer 1, ribonuclease III; minus strand). Cytogenetic location: 14q32.13.
Variant type: single nucleotide variant.
Coding change: c.1377-12T>C on transcript NM_177438.3 (MANE Select); 12 bases into the intron before coding-DNA position 1377, T replaced by C.
Molecular consequence: intron variant.
Genome position (GRCh38, 1-based): chr14:95,117,766, A>G on the plus strand (T>C on the coding strand, the complement: DICER1 is on the minus strand). VCF-style: chr14-95117766-A-G. GRCh37 (hg19) VCF-style: chr14-95584103-A-G.
Other names: c.1377-12T>C (NM_001291628.2, NM_030621.4, NM_001271282.3 and 1 more transcripts).
Identifiers: ClinVar variation 1534121 (VCV001534121.10), dbSNP rs999852473, ClinGen allele CA265917384.

ClinVar aggregate classification (germline): Likely benign. Review status: criteria provided, multiple submitters, no conflicts (2 of 4 stars). 2 submissions from 2 submitters: Likely benign (2). Last evaluated 2026-04-13.

Conditions:
DICER1-related tumor predisposition. Also called: DICER1-related pleuropulmonary blastoma cancer predisposition syndrome; DICER1 syndrome. Identifiers: Orphanet 284343, MedGen C3839822, MONDO:0100216.

Allele frequency attached by ClinVar (database versions not stated): gnomAD exomes below 0.00001; TOPMed below 0.00001.
gnomAD v4.1: 1 of 1,613,546 alleles (0.000062%); highest among the groups gnomAD compares: Non-Finnish European, 0.000085%; no homozygotes.

Submissions (2):

Myriad Genetics, Inc.
Classification: Likely benign for DICER1-related tumor predisposition. Last evaluated: 2026-04-13. Review status: criteria provided, single submitter. Criteria: Myriad Autosomal Dominant, Autosomal Recessive and X-Linked Classification Criteria (2023). Collection method: clinical testing. Allele origin: unknown.
Comment: This variant is considered likely benign. This variant is intronic and is not expected to impact mRNA splicing.

Labcorp Genetics (formerly Invitae), Labcorp
Classification: Likely benign for DICER1-related tumor predisposition. Last evaluated: 2023-08-23. Review status: criteria provided, single submitter. Criteria: Invitae Variant Classification Sherloc (09022015). Collection method: clinical testing. Allele origin: germline.